The following is an entry in ClinVar:

ClinVar aggregate classification (germline): Benign/Likely benign. Review status: criteria provided, multiple submitters, no conflicts (2 of 4 stars). 3 submissions from 3 submitters: Benign (1); Likely benign (2). Last evaluated 2025-09-02.

Allele frequency attached by ClinVar (database versions not stated): 1000 Genomes Project 30x 0.00078; 1000 Genomes Project 0.00100; gnomAD 0.00123 and 0.00126; TOPMed 0.00123; gnomAD exomes 0.00126 and 0.00187; ExAC 0.00130; ESP Exome Variant Server 0.00146.
gnomAD v4.1: 2,901 of 1,612,042 alleles (0.18%); highest among the groups gnomAD compares: Non-Finnish European, 0.22%; 2 homozygotes.

Submissions (4):

Labcorp Genetics (formerly Invitae), Labcorp
Classification: Likely benign. Last evaluated: 2025-09-02. Review status: criteria provided, single submitter. Criteria: Invitae Variant Classification Sherloc (09022015). Collection method: clinical testing. Allele origin: germline.

CeGaT Center for Human Genetics Tuebingen
Classification: Benign. Last evaluated: 2025-09-01. Review status: criteria provided, single submitter. Criteria: CeGaT Center For Human Genetics Tuebingen Variant Classification Criteria Version 2. Collection method: clinical testing. Allele origin: germline. Affected: yes. Observed: 3 variant alleles.
Comment: ESR2: BS1, BS2

Breakthrough Genomics
Classification: Likely benign. Review status: criteria provided, single submitter. Criteria: ACMG Guidelines, 2015. Collection method: not provided. Allele origin: germline. Inheritance: Autosomal dominant inheritance. Affected: yes.

Dr. Peter K. Rogan Lab, Western University
No classification provided (evidence only). Condition: Melanoma. Review status: no classification provided. Collection method: in vitro. Allele origin: not applicable. Functional consequence: retained intron. Not counted in ClinVar's aggregate classification.

NM_001437.3(ESR2):c.633A>G (p.Glu211=)

Gene: ESR2 (estrogen receptor 2; minus strand). Cytogenetic location: 14q23.2.
Variant type: single nucleotide variant.
Coding change: c.633A>G on transcript NM_001437.3 (MANE Select); coding-DNA position 633, A replaced by G.
Protein change: p.Glu211=; no amino-acid change (glutamic acid 211 retained).
Molecular consequence: synonymous variant. On other transcripts: non-coding transcript variant (2).
Genome position (GRCh38, 1-based): chr14:64,268,814, T>C on the plus strand (A>G on the coding strand, the complement: ESR2 is on the minus strand). VCF-style: chr14-64268814-T-C. GRCh37 (hg19) VCF-style: chr14-64735532-T-C.
Other names: c.633A>G, p.Glu211= (NM_001040275.1, NM_001214902.1, NM_001271876.1 and 3 more transcripts).
Identifiers: ClinVar variation 787181 (VCV000787181.34), dbSNP rs74808355, ClinGen allele CA7225524.